The following is an entry in ClinVar:

ClinVar aggregate classification (germline): Uncertain significance (1 of 4 stars; one submission).

Allele frequency attached by ClinVar (database versions not stated): gnomAD exomes below 0.00001; gnomAD 0.00001.
gnomAD v4.1: 3 of 1,613,770 alleles (0.00019%); highest among the groups gnomAD compares: South Asian, 0.0033%; no homozygotes.

Submission:

Laboratory for Molecular Medicine, Mass General Brigham Personalized Medicine
Classification: Uncertain significance. Last evaluated: 2014-02-13. Review status: criteria provided, single submitter. Criteria: LMM Criteria. Collection method: clinical testing. Allele origin: germline. Observed: 1 variant allele.
Comment: The Ser31442Arg variant in TTN has not been previously reported in individuals w ith cardiomyopathy. Data from large population studies is insufficient to assess the frequency of this variant. Computational prediction tools and conservation analysis do not provide strong support for or against an impact to the protein. Additional information is needed to fully assess the clinical significance of th e Ser31442Arg variant.

NM_001267550.2(TTN):c.102028A>C (p.Ser34010Arg)

Genes: TTN-AS1 (TTN antisense RNA 1; plus strand), TTN (titin; minus strand). Cytogenetic location: 2q31.2.
Variant type: single nucleotide variant.
Coding change: c.102028A>C on transcript NM_001267550.2 (MANE Select); coding-DNA position 102028, A replaced by C.
Protein change: p.Ser34010Arg; replaces serine 34010 with arginine.
Molecular consequence: missense variant.
Genome position (GRCh38, 1-based): chr2:178,534,587, T>G on the plus strand (A>C on the coding strand, the complement: TTN is on the minus strand). VCF-style: chr2-178534587-T-G. GRCh37 (hg19) VCF-style: chr2-179399314-T-G.
Other names: c.94324A>C, p.Ser31442Arg (NM_133378.4); c.97105A>C, p.Ser32369Arg (NM_001256850.1); c.74833A>C, p.Ser24945Arg (NM_003319.4); c.75208A>C, p.Ser25070Arg (NM_133432.3); c.75409A>C, p.Ser25137Arg (NM_133437.4); short protein forms S31442R, S34010R, S25070R, S25137R, S32369R, S24945R.
Identifiers: ClinVar variation 165653 (VCV000165653.5), dbSNP rs727503534, ClinGen allele CA178372.
Genomic context (GRCh38, chr2:178,534,587, plus strand): 5'-CATTCATGATATTCTCAATGATCTGTTGGTTAGTTTCAGCCAGGAATGGGTTGATACCAC[T>G]CAATAGCACATATACCAGTGTTCCAAGTGACCACATGTCTGTGGCTGTGCTGACAACATC-3'
Protein context (NP_001254479.2, residues 34000-34020): SLGTLVYVLL[Ser34010Arg]GINPFLAETN